The following is an entry in ClinVar:

ClinVar aggregate classification (germline): Uncertain significance (1 of 4 stars; one submission).

Conditions:
Nephronophthisis 14 (NPHP14). Identifiers: Orphanet 2318, MedGen C3539071, MONDO:0013916, OMIM 614844.

Submission:

Labcorp Genetics (formerly Invitae), Labcorp
Classification: Uncertain significance for Nephronophthisis 14. Last evaluated: 2020-01-15. Review status: criteria provided, single submitter. Criteria: Invitae Variant Classification Sherloc (09022015). Collection method: clinical testing. Allele origin: germline.
Comment: In summary, the available evidence is currently insufficient to determine the role of this variant in disease. Therefore, it has been classified as a Variant of Uncertain Significance. Algorithms developed to predict the effect of missense changes on protein structure and function (SIFT, PolyPhen-2, Align-GVGD) all suggest that this variant is likely to be tolerated, but these predictions have not been confirmed by published functional studies and their clinical significance is uncertain. This variant has not been reported in the literature in individuals with ZNF423-related conditions. This variant is not present in population databases (ExAC no frequency). This sequence change replaces alanine with threonine at codon 317 of the ZNF423 protein (p.Ala317Thr). The alanine residue is moderately conserved and there is a small physicochemical difference between alanine and threonine.

NM_001379286.1(ZNF423):c.973G>A (p.Ala325Thr)

Gene: ZNF423 (zinc finger protein 423; minus strand). Cytogenetic location: 16q12.1.
Variant type: single nucleotide variant.
Coding change: c.973G>A on transcript NM_001379286.1 (MANE Select); coding-DNA position 973, G replaced by A.
Protein change: p.Ala325Thr; replaces alanine 325 with threonine.
Molecular consequence: missense variant.
Genome position (GRCh38, 1-based): chr16:49,638,203, C>T on the plus strand (G>A on the coding strand, the complement: ZNF423 is on the minus strand). VCF-style: chr16-49638203-C-T. GRCh37 (hg19) VCF-style: chr16-49672114-C-T.
Other names: c.769G>A, p.Ala257Thr (NM_001271620.2); c.598G>A, p.Ala200Thr (NM_001330533.2); c.949G>A, p.Ala317Thr (NM_015069.5); short protein forms A200T, A325T, A257T, A317T.
Identifiers: ClinVar variation 1046376 (VCV001046376.9), dbSNP rs771166740, ClinGen allele CA395850815.